The following is an entry in ClinVar:

ClinVar aggregate classification (germline): Uncertain significance (1 of 4 stars; one submission).

Conditions:
Sulfite oxidase deficiency. Also called: Isolated sulfite oxidase deficiency. Identifiers: Orphanet 833, Orphanet 99731, MedGen C0268624, MONDO:0010089, OMIM 272300, HP:0003643.

Allele frequency attached by ClinVar (database versions not stated): gnomAD exomes below 0.00001.
gnomAD v4.1: 2 of 1,612,680 alleles (0.00012%); highest among the groups gnomAD compares: Non-Finnish European, 0.00017%; no homozygotes.

Submission:

Labcorp Genetics (formerly Invitae), Labcorp
Classification: Uncertain significance for Sulfite oxidase deficiency. Last evaluated: 2022-06-22. Review status: criteria provided, single submitter. Criteria: Invitae Variant Classification Sherloc (09022015). Collection method: clinical testing. Allele origin: germline.
Comment: In summary, the available evidence is currently insufficient to determine the role of this variant in disease. Therefore, it has been classified as a Variant of Uncertain Significance. Algorithms developed to predict the effect of missense changes on protein structure and function output the following: SIFT: "Tolerated"; PolyPhen-2: "Benign"; Align-GVGD: "Class C0". The proline amino acid residue is found in multiple mammalian species, which suggests that this missense change does not adversely affect protein function. This variant has not been reported in the literature in individuals affected with SUOX-related conditions. This variant is not present in population databases (gnomAD no frequency). This sequence change replaces leucine, which is neutral and non-polar, with proline, which is neutral and non-polar, at codon 10 of the SUOX protein (p.Leu10Pro).

NM_001032386.2(SUOX):c.29T>C (p.Leu10Pro)

Gene: SUOX (sulfite oxidase; plus strand). Cytogenetic location: 12q13.2.
Variant type: single nucleotide variant.
Coding change: c.29T>C on transcript NM_001032386.2 (MANE Select); coding-DNA position 29, T replaced by C.
Protein change: p.Leu10Pro; replaces leucine 10 with proline.
Molecular consequence: missense variant.
Genome position (GRCh38, 1-based): chr12:56,002,250, T>C. VCF-style: chr12-56002250-T-C. GRCh37 (hg19) VCF-style: chr12-56396034-T-C.
Other names: c.29T>C, p.Leu10Pro (NM_000456.3, NM_001032387.2); short protein forms L10P.
Identifiers: ClinVar variation 2009497 (VCV002009497.2), dbSNP rs2540573668, ClinGen allele CA385278790.